The following is an entry in ClinVar:

ClinVar aggregate classification (germline): Uncertain significance. Review status: criteria provided, multiple submitters, no conflicts (2 of 4 stars). 2 submissions from 2 submitters: Uncertain significance (2). Last evaluated 2020-10-07.

Conditions:
Multiple congenital anomalies-hypotonia-seizures syndrome 1 (MCAHS1). Also called: PIGN-CDG; Congenital disorder of glycosylation due to PIGN deficiency; GLYCOSYLPHOSPHATIDYLINOSITOL BIOSYNTHESIS DEFECT 3. Identifiers: Orphanet 280633, MedGen C3279775, MONDO:0013563, OMIM 614080.

Submissions (2):

Revvity Omics, Revvity
Classification: Uncertain significance for Multiple congenital anomalies-hypotonia-seizures syndrome 1. Last evaluated: 2020-10-07. Review status: criteria provided, single submitter. Criteria: ACMG Guidelines, 2015. Collection method: clinical testing. Allele origin: germline.

Juno Genomics, Hangzhou Juno Genomics, Inc
Classification: Uncertain significance for Multiple congenital anomalies-hypotonia-seizures syndrome 1. Review status: criteria provided, single submitter. Criteria: ACMG Guidelines, 2015. Collection method: clinical testing. Allele origin: germline.
Comment: Absent from controls (or at extremely low frequency if recessive) in Genome Aggregation Database.;Null variant in a gene where loss of function (LOF) is a known mechanism of disease.

NM_176787.5(PIGN):c.2737C>T (p.Gln913Ter)

Gene: PIGN (phosphatidylinositol glycan anchor biosynthesis class N; minus strand). Cytogenetic location: 18q21.33.
Variant type: single nucleotide variant.
Coding change: c.2737C>T on transcript NM_176787.5 (MANE Select); coding-DNA position 2737, C replaced by T.
Protein change: p.Gln913Ter; replaces glutamine 913 with a stop codon.
Molecular consequence: nonsense.
Genome position (GRCh38, 1-based): chr18:62,045,915, G>A on the plus strand (C>T on the coding strand, the complement: PIGN is on the minus strand). VCF-style: chr18-62045915-G-A. GRCh37 (hg19) VCF-style: chr18-59713148-G-A.
Other names: c.2737C>T, p.Gln913Ter (NM_012327.6); short protein forms Q913*.
Identifiers: ClinVar variation 2434843 (VCV002434843.5), dbSNP rs2511677152, ClinGen allele CA402723259.